The following is an entry in ClinVar:

ClinVar aggregate classification (germline): Pathogenic (1 of 4 stars; one submission).

Conditions:
X-linked intellectual disability, Cantagrel type (XLID98). Also called: INTELLECTUAL DEVELOPMENTAL DISORDER, X-LINKED 98. Identifiers: Orphanet 85277, MedGen C3806730, MONDO:0010483, OMIM 300912.

Submission:

Labcorp Genetics (formerly Invitae), Labcorp
Classification: Pathogenic for X-linked intellectual disability, Cantagrel type. Last evaluated: 2017-04-27. Review status: criteria provided, single submitter. Criteria: Invitae Variant Classification Sherloc (09022015). Collection method: clinical testing. Allele origin: germline.
Comment: This sequence change deletes 3 nucleotides and inserts 2 nucleotides in exon 3 of the KIAA2022 mRNA (c.2166_2168delinsAC), causing a frameshift at codon 722. This creates a premature translational stop signal (p.Phe722Leufs*7) and is expected to result in an absent or disrupted protein product. While this particular variant has not been reported in the literature, loss-of-function variants in KIAA2022 are known to be pathogenic (PMID: 27358180, 23615299). For these reasons, this variant has been classified as Pathogenic.

NM_001008537.3(NEXMIF):c.2166_2168delinsAC (p.Phe722fs)

Gene: NEXMIF (neurite extension and migration factor; minus strand). Cytogenetic location: Xq13.3.
Variant type: Indel.
Coding change: c.2166_2168delinsAC on transcript NM_001008537.3 (MANE Select); coding-DNA positions 2166 to 2168, TAA replaced by AC.
Protein change: p.Phe722fs; shifts the reading frame from phenylalanine 722.
Molecular consequence: frameshift variant.
Genome position (GRCh38, 1-based): chrX:74,742,389-74,742,391, TTA replaced by GT on the plus strand (TAA replaced by AC on the coding strand, the reverse complement: NEXMIF is on the minus strand). VCF-style: chrX-74742389-TTA-GT. GRCh37 (hg19) VCF-style: chrX-73962224-TTA-GT.
Other names: short protein forms F722fs.
Identifiers: ClinVar variation 474060 (VCV000474060.1), dbSNP rs1556016529, ClinGen allele CA658659017.